The following is an entry in ClinVar:

NM_000302.4(PLOD1):c.1584+1G>A

Gene: PLOD1 (procollagen-lysine,2-oxoglutarate 5-dioxygenase 1; plus strand). Cytogenetic location: 1p36.22.
Variant type: single nucleotide variant.
Coding change: c.1584+1G>A on transcript NM_000302.4 (MANE Select); the canonical splice donor site of the intron after coding-DNA position 1584, G replaced by A.
Molecular consequence: splice donor variant.
Genome position (GRCh38, 1-based): chr1:11,965,594, G>A. VCF-style: chr1-11965594-G-A. GRCh37 (hg19) VCF-style: chr1-12025651-G-A.
Other names: c.1725+1G>A (NM_001316320.2).
Identifiers: ClinVar variation 1465845 (VCV001465845.8), dbSNP rs746930362, ClinGen allele CA598451.
Genomic context (GRCh38, chr1:11,965,594, plus strand): 5'-GACAGCTACCGCACCACCCACCTGCACAACGACCTCTGGGAGGTGTTCAGCAACCCCGAG[G>A]TGAGGCCAGGGTGGGCACATAGGGGCTGGGAGCAAAGGGGCCCAGTGATCCTGCAGTCGG-3'

ClinVar aggregate classification (germline): Likely pathogenic (1 of 4 stars; one submission).

Conditions:
Ehlers-Danlos syndrome, kyphoscoliotic type 1 (EDSKSCL1). Also called: EHLERS-DANLOS SYNDROME, OCULAR-SCOLIOTIC TYPE; Ehlers-Danlos syndrome, hydroxylysine-deficient; EHLERS-DANLOS SYNDROME, TYPE VIA; PLOD1-Related Kyphoscoliotic Ehlers-Danlos Syndrome. Identifiers: Orphanet 1900, MedGen C0268342, MONDO:0016002, OMIM 225400. Disease mechanism: loss of function.

Allele frequency attached by ClinVar (database versions not stated): gnomAD exomes below 0.00001; ExAC 0.00001; gnomAD 0.00001.
gnomAD v4.1: 5 of 1,592,242 alleles (0.00031%); highest among the groups gnomAD compares: South Asian, 0.0022%; no homozygotes.

Submission:

Labcorp Genetics (formerly Invitae), Labcorp
Classification: Likely pathogenic for Ehlers-Danlos syndrome, kyphoscoliotic type 1. Last evaluated: 2021-03-14. Review status: criteria provided, single submitter. Criteria: Invitae Variant Classification Sherloc (09022015). Collection method: clinical testing. Allele origin: germline.
Comment: This sequence change affects a donor splice site in intron 14 of the PLOD1 gene. It is expected to disrupt RNA splicing. Variants that disrupt the donor or acceptor splice site typically lead to a loss of protein function (PMID: 16199547), and loss-of-function variants in PLOD1 are known to be pathogenic (PMID: 10874315, 21699693). This variant is present in population databases (rs746930362, ExAC 0.006%). In summary, the currently available evidence indicates that the variant is pathogenic, but additional data are needed to prove that conclusively. Therefore, this variant has been classified as Likely Pathogenic. Algorithms developed to predict the effect of sequence changes on RNA splicing suggest that this variant may disrupt the consensus splice site, but this prediction has not been confirmed by published transcriptional studies. This variant has not been reported in the literature in individuals with PLOD1-related conditions.

Literature cited by the submitters: PubMed 16199547; PubMed 10874315; PubMed 21699693.